The following is an entry in ClinVar:

NM_001042492.3(NF1):c.4927_4929delinsATA (p.Val1643Ile)

Gene: NF1 (neurofibromin 1; plus strand). Cytogenetic location: 17q11.2.
Variant type: Indel.
Coding change: c.4927_4929delinsATA on transcript NM_001042492.3 (MANE Select); coding-DNA positions 4927 to 4929, GTG replaced by ATA.
Protein change: p.Val1643Ile; replaces valine 1643 with isoleucine.
Molecular consequence: missense variant.
Genome position (GRCh38, 1-based): chr17:31,325,911-31,325,913, GTG replaced by ATA. VCF-style: chr17-31325911-GTG-ATA. GRCh37 (hg19) VCF-style: chr17-29652929-GTG-ATA.
Other names: c.4864_4866delGTGinsATA (NM_000267.3); c.4864_4866delGTGinsATA, p.Val1622Ile (NM_000267.4); short protein forms V1622I, V1643I.
Identifiers: ClinVar variation 825241 (VCV000825241.6), dbSNP rs1597829655, ClinGen allele CA915949787.

ClinVar aggregate classification (germline): Uncertain significance. Review status: criteria provided, multiple submitters, no conflicts (2 of 4 stars). 2 submissions from 2 submitters: Uncertain significance (2). Last evaluated 2022-08-01.

Conditions:
Neurofibromatosis, type 1 (NF1). Also called: Neurofibromatosis, type I; Peripheral type neurofibromatosis; VON RECKLINGHAUSEN DISEASE; NEUROFIBROMATOSIS, TYPE I, SOMATIC. Identifiers: Orphanet 636, MedGen C0027831, MONDO:0018975, OMIM 162200. Disease mechanism: loss of function.
Hereditary cancer-predisposing syndrome. Also called: Neoplastic Syndromes, Hereditary; Hereditary Cancer Syndrome; Hereditary neoplastic syndrome; Tumor predisposition. Identifiers: Orphanet 140162, MedGen C0027672, MeSH D009386, MONDO:0015356.
Cardiovascular phenotype. Identifiers: MedGen CN230736.

Submissions (2):

MGZ Medical Genetics Center
Classification: Uncertain significance for Neurofibromatosis, type 1. Last evaluated: 2022-08-01. Review status: criteria provided, single submitter. Criteria: ACMG Guidelines, 2015. Collection method: clinical testing. Allele origin: germline. Affected: yes. Observed: 1 variant allele.
Comment: ACMG criteria applied: PM2_SUP

Ambry Genetics
Classification: Uncertain significance for Cardiovascular phenotype; Hereditary cancer-predisposing syndrome. Last evaluated: 2022-04-21. Review status: criteria provided, single submitter. Criteria: Ambry Variant Classification Scheme 2023. Collection method: clinical testing. Allele origin: germline.
Comment: The c.4864_4866delGTGinsATA (p.V1622I) alteration, located in exon 36 (coding exon 36) of the NF1 gene, consists of an in-frame substitution of 3 nucleotides from position 4864 to 4866, resulting in the insertion of 1 residue. Based on insufficient or conflicting evidence, the clinical significance of this alteration remains unclear.